The following is an entry in ClinVar:

NC_000008.11:g.100471160T>C

Gene: VPS13B (vacuolar protein sorting 13 homolog B; plus strand). Cytogenetic location: 8q22.2.
Variant type: single nucleotide variant.
Genome position: GRCh38 VCF-style: chr8-100471160-T-C. GRCh37 (hg19) VCF-style: chr8-101483388-T-C.
Identifiers: ClinVar variation 3356208 (VCV003356208.1).

ClinVar aggregate classification (germline): Likely benign (0 of 4 stars; one submission).

Conditions:
VPS13B-related disorder. Also called: VPS13B-related condition.

Submission:

PreventionGenetics, part of Exact Sciences
Classification: Likely benign for VPS13B-related condition. Last evaluated: 2023-03-06. Review status: no assertion criteria provided. Collection method: clinical testing. Allele origin: germline.
Comment: This variant is classified as likely benign based on ACMG/AMP sequence variant interpretation guidelines (Richards et al. 2015 PMID: 25741868, with internal and published modifications).